The following is an entry in ClinVar:

ClinVar aggregate classification (germline): Conflicting classifications of pathogenicity. Review status: criteria provided, conflicting classifications (1 of 4 stars). 4 submissions from 4 submitters: Uncertain significance (2); Likely benign (2). Last evaluated 2026-01-19.

Conditions:
Baller-Gerold syndrome (BGS). Also called: CRANIOSYNOSTOSIS WITH RADIAL DEFECTS. Identifiers: Orphanet 1225, MedGen C0265308, MONDO:0009039, OMIM 218600.
Hereditary cancer-predisposing syndrome. Also called: Tumor predisposition; Hereditary neoplastic syndrome; Neoplastic Syndromes, Hereditary; Hereditary Cancer Syndrome. Identifiers: Orphanet 140162, MedGen C0027672, MeSH D009386, MONDO:0015356.
Inborn genetic diseases. Identifiers: MedGen C0950123, MeSH D030342.

gnomAD v4.1: 96 of 1,611,288 alleles (0.006%); highest among the groups gnomAD compares: East Asian, 0.21%; no homozygotes.

Submissions (4):

Labcorp Genetics (formerly Invitae), Labcorp
Classification: Likely benign for Baller-Gerold syndrome. Last evaluated: 2026-01-19. Review status: criteria provided, single submitter. Criteria: Invitae Variant Classification Sherloc (09022015). Collection method: clinical testing. Allele origin: germline.

Ambry Genetics
Classification: Likely benign for Inborn genetic diseases. Last evaluated: 2024-12-01. Review status: criteria provided, single submitter. Criteria: Ambry Variant Classification Scheme 2023. Collection method: clinical testing. Allele origin: germline.

Sema4
Classification: Uncertain significance for Hereditary cancer-predisposing syndrome. Last evaluated: 2021-09-25. Review status: criteria provided, single submitter. Criteria: Sema4 Curation Guidelines. Collection method: curation. Allele origin: germline.
Comment: The RECQL4 c.1779C>A (p.A593=) variant has not been reported in the literature to our knowledge. It was observed in 3/17904 chromosomes of the East Asian subpopulation in the large and broad cohorts of the Genome Aggregation Database (PMID: 32461654). The variant has been reported in ClinVar (Variation ID 705448). In silico tools suggest that the variant may create or strengthen a cryptic splice site, though these predictions have not been confirmed by functional studies. The evidence is insufficient to meet ACMG/AMP criteria for classifying the variant as benign or pathogenic. Thus, the clinical significance of this variant is currently uncertain.

Revvity Omics, Revvity
Classification: Uncertain significance. Last evaluated: 2021-08-04. Review status: criteria provided, single submitter. Criteria: ACMG Guidelines, 2015. Collection method: clinical testing. Allele origin: germline.

NM_004260.4(RECQL4):c.1779C>A (p.Ala593=)

Gene: RECQL4 (RecQ like helicase 4; minus strand). Cytogenetic location: 8q24.3.
Variant type: single nucleotide variant.
Coding change: c.1779C>A on transcript NM_004260.4 (MANE Select); coding-DNA position 1779, C replaced by A.
Protein change: p.Ala593=; no amino-acid change (alanine 593 retained).
Molecular consequence: synonymous variant.
Genome position (GRCh38, 1-based): chr8:144,514,288, G>T on the plus strand (C>A on the coding strand, the complement: RECQL4 is on the minus strand). VCF-style: chr8-144514288-G-T. GRCh37 (hg19) VCF-style: chr8-145739672-G-T.
Identifiers: ClinVar variation 705448 (VCV000705448.14), dbSNP rs369939552, ClinGen allele CA4948663.